The following is an entry in ClinVar:

NM_198506.5(LRIT3):c.451T>C (p.Tyr151His)

Gene: LRIT3 (leucine rich repeat, Ig-like and transmembrane domains 3; plus strand). Cytogenetic location: 4q25.
Variant type: single nucleotide variant.
Coding change: c.451T>C on transcript NM_198506.5 (MANE Select); coding-DNA position 451, T replaced by C.
Protein change: p.Tyr151His; replaces tyrosine 151 with histidine.
Molecular consequence: missense variant.
Genome position (GRCh38, 1-based): chr4:109,851,838, T>C. VCF-style: chr4-109851838-T-C. GRCh37 (hg19) VCF-style: chr4-110772994-T-C.
Other names: c.316T>C (NM_198506.2); short protein forms Y151H.
Identifiers: ClinVar variation 1449029 (VCV001449029.6), dbSNP rs1441384954, ClinGen allele CA357872060.

ClinVar aggregate classification (germline): Uncertain significance. Review status: criteria provided, multiple submitters, no conflicts (2 of 4 stars). 3 submissions from 3 submitters: Uncertain significance (3). Last evaluated 2024-09-13.

Conditions:
Inborn genetic diseases. Identifiers: MedGen C0950123, MeSH D030342.

Allele frequency attached by ClinVar (database versions not stated): TOPMed 0.00001; gnomAD exomes 0.00002.
gnomAD v4.1: 28 of 1,551,664 alleles (0.0018%); highest among the groups gnomAD compares: African/African-American, 0.0068%; 1 homozygote.

Submissions (3):

Blueprint Genetics
Classification: Uncertain significance. Last evaluated: 2024-09-13. Review status: criteria provided, single submitter. Criteria: ACMG Guidelines, 2015. Collection method: clinical testing. Allele origin: germline.

Labcorp Genetics (formerly Invitae), Labcorp
Classification: Uncertain significance. Last evaluated: 2022-09-27. Review status: criteria provided, single submitter. Criteria: Invitae Variant Classification Sherloc (09022015). Collection method: clinical testing. Allele origin: germline.
Comment: In summary, the available evidence is currently insufficient to determine the role of this variant in disease. Therefore, it has been classified as a Variant of Uncertain Significance. Algorithms developed to predict the effect of missense changes on protein structure and function are either unavailable or do not agree on the potential impact of this missense change (SIFT: "Deleterious"; PolyPhen-2: "Possibly Damaging"; Align-GVGD: "Class C0"). ClinVar contains an entry for this variant (Variation ID: 1449029). This variant has not been reported in the literature in individuals affected with LRIT3-related conditions. This variant is present in population databases (no rsID available, gnomAD no frequency). This sequence change replaces tyrosine, which is neutral and polar, with histidine, which is basic and polar, at codon 151 of the LRIT3 protein (p.Tyr151His).

Ambry Genetics
Classification: Uncertain significance for Inborn genetic diseases. Last evaluated: 2022-01-26. Review status: criteria provided, single submitter. Criteria: Ambry Variant Classification Scheme 2023. Collection method: clinical testing. Allele origin: germline.